The following is an entry in ClinVar:

ClinVar aggregate classification (germline): Likely benign (0 of 4 stars; one submission).

Conditions:
COL4A4-related disorder.

Allele frequency attached by ClinVar (database versions not stated): gnomAD 0.00001; TOPMed 0.00001; gnomAD exomes 0.00002.
gnomAD v4.1: 30 of 1,613,912 alleles (0.0019%); highest among the groups gnomAD compares: Non-Finnish European, 0.0025%; no homozygotes.

Submission:

PreventionGenetics, part of Exact Sciences
Classification: Likely benign for COL4A4-related condition. Last evaluated: 2019-10-30. Review status: no assertion criteria provided. Collection method: clinical testing. Allele origin: germline.
Comment: This variant is classified as likely benign based on ACMG/AMP sequence variant interpretation guidelines (Richards et al. 2015 PMID: 25741868, with internal and published modifications).

NM_000092.5(COL4A4):c.2860+6T>C

Gene: COL4A4 (collagen type IV alpha 4 chain; minus strand). Cytogenetic location: 2q36.3.
Variant type: single nucleotide variant.
Coding change: c.2860+6T>C on transcript NM_000092.5 (MANE Select); 6 bases into the intron after coding-DNA position 2860, T replaced by C.
Molecular consequence: intron variant.
Genome position (GRCh38, 1-based): chr2:227,054,588, A>G on the plus strand (T>C on the coding strand, the complement: COL4A4 is on the minus strand). VCF-style: chr2-227054588-A-G. GRCh37 (hg19) VCF-style: chr2-227919304-A-G.
Identifiers: ClinVar variation 3045042 (VCV003045042.2), dbSNP rs1322565801, ClinGen allele CA539874943.